The following is an entry in ClinVar:

NM_183357.3(ADCY5):c.1981C>T (p.Arg661Cys)

Gene: ADCY5 (adenylate cyclase 5; minus strand). Cytogenetic location: 3q21.1.
Variant type: single nucleotide variant.
Coding change: c.1981C>T on transcript NM_183357.3 (MANE Select); coding-DNA position 1981, C replaced by T.
Protein change: p.Arg661Cys; replaces arginine 661 with cysteine.
Molecular consequence: missense variant.
Genome position (GRCh38, 1-based): chr3:123,325,429, G>A on the plus strand (C>T on the coding strand, the complement: ADCY5 is on the minus strand). VCF-style: chr3-123325429-G-A. GRCh37 (hg19) VCF-style: chr3-123044276-G-A.
Other names: c.931C>T, p.Arg311Cys (NM_001199642.1); c.1981C>T, p.Arg661Cys (NM_001378259.1); c.1981C>T (NM_183357.2); short protein forms R311C, R661C.
Identifiers: ClinVar variation 1447056 (VCV001447056.6), dbSNP rs776923185, ClinGen allele CA2577291.

ClinVar aggregate classification (germline): Uncertain significance. Review status: criteria provided, multiple submitters, no conflicts (2 of 4 stars). 2 submissions from 2 submitters: Uncertain significance (2). Last evaluated 2024-03-12.

Conditions:
Inborn genetic diseases. Identifiers: MedGen C0950123, MeSH D030342.

Allele frequency attached by ClinVar (database versions not stated): gnomAD exomes 0.00001 and 0.00004; gnomAD 0.00002; TOPMed 0.00002; ExAC 0.00003.
gnomAD v4.1: 24 of 1,614,018 alleles (0.0015%); highest among the groups gnomAD compares: Admixed American, 0.018%; no homozygotes.

Submissions (2):

Ambry Genetics
Classification: Uncertain significance for Inborn genetic diseases. Last evaluated: 2024-03-12. Review status: criteria provided, single submitter. Criteria: Ambry Variant Classification Scheme 2023. Collection method: clinical testing. Allele origin: germline.

Labcorp Genetics (formerly Invitae), Labcorp
Classification: Uncertain significance. Last evaluated: 2021-09-17. Review status: criteria provided, single submitter. Criteria: Invitae Variant Classification Sherloc (09022015). Collection method: clinical testing. Allele origin: germline.
Comment: This sequence change replaces arginine with cysteine at codon 661 of the ADCY5 protein (p.Arg661Cys). The arginine residue is highly conserved and there is a large physicochemical difference between arginine and cysteine. This variant is present in population databases (rs776923185, ExAC 0.02%). This variant has not been reported in the literature in individuals affected with ADCY5-related conditions. Advanced modeling of protein sequence and biophysical properties (such as structural, functional, and spatial information, amino acid conservation, physicochemical variation, residue mobility, and thermodynamic stability) performed at Invitae indicates that this missense variant is expected to disrupt ADCY5 protein function. In summary, the available evidence is currently insufficient to determine the role of this variant in disease. Therefore, it has been classified as a Variant of Uncertain Significance.